The following is an entry in ClinVar:

ClinVar aggregate classification (germline): Uncertain significance (1 of 4 stars; one submission).

Conditions:
UCP3-related disorder. Also called: UCP3-related condition.

gnomAD v4.1: 3 of 1,614,028 alleles (0.00019%); highest among the groups gnomAD compares: East Asian, 0.0067%; no homozygotes.

Submission:

PreventionGenetics, part of Exact Sciences
Classification: Uncertain significance for UCP3-related condition. Last evaluated: 2026-03-03. Review status: criteria provided, single submitter. Criteria: ACMG Guidelines, 2015. Collection method: clinical testing. Allele origin: germline.
Comment: The UCP3 c.323C>T variant is predicted to result in the amino acid substitution p.Pro108Leu. To our knowledge, this variant has not been reported in the literature. This variant is reported in 0.020% of alleles in individuals of East Asian descent in gnomAD. At this time, the clinical significance of this variant is uncertain due to the absence of conclusive functional and genetic evidence.

NM_003356.4(UCP3):c.323C>T (p.Pro108Leu)

Gene: UCP3 (uncoupling protein 3; minus strand). Cytogenetic location: 11q13.4.
Variant type: single nucleotide variant.
Coding change: c.323C>T on transcript NM_003356.4 (MANE Select); coding-DNA position 323, C replaced by T.
Protein change: p.Pro108Leu; replaces proline 108 with leucine.
Molecular consequence: missense variant.
Genome position (GRCh38, 1-based): chr11:74,006,183, G>A on the plus strand (C>T on the coding strand, the complement: UCP3 is on the minus strand). VCF-style: chr11-74006183-G-A. GRCh37 (hg19) VCF-style: chr11-73717228-G-A.
Other names: c.323C>T, p.Pro108Leu (NM_022803.3); short protein forms P108L.
Identifiers: ClinVar variation 5001910 (VCV005001910.1).